The following is an entry in ClinVar:

ClinVar aggregate classification (germline): Uncertain significance (1 of 4 stars; one submission).

gnomAD v4.1: 11 of 1,610,504 alleles (0.00068%); highest among the groups gnomAD compares: East Asian, 0.025%; no homozygotes.

Submission:

Labcorp Genetics (formerly Invitae), Labcorp
Classification: Uncertain significance. Last evaluated: 2024-09-06. Review status: criteria provided, single submitter. Criteria: Invitae Variant Classification Sherloc (09022015). Collection method: clinical testing. Allele origin: germline.
Comment: This sequence change replaces proline, which is neutral and non-polar, with alanine, which is neutral and non-polar, at codon 390 of the ITPR1 protein (p.Pro390Ala). This variant is not present in population databases (gnomAD no frequency). This variant has not been reported in the literature in individuals affected with ITPR1-related conditions. Invitae Evidence Modeling of protein sequence and biophysical properties (such as structural, functional, and spatial information, amino acid conservation, physicochemical variation, residue mobility, and thermodynamic stability) has been performed for this missense variant. However, the output from this modeling did not meet the statistical confidence thresholds required to predict the impact of this variant on ITPR1 protein function. In summary, the available evidence is currently insufficient to determine the role of this variant in disease. Therefore, it has been classified as a Variant of Uncertain Significance.

NM_001378452.1(ITPR1):c.1213C>G (p.Pro405Ala)

Gene: ITPR1 (inositol 1,4,5-trisphosphate receptor type 1; plus strand). Cytogenetic location: 3p26.1.
Variant type: single nucleotide variant.
Coding change: c.1213C>G on transcript NM_001378452.1 (MANE Select); coding-DNA position 1213, C replaced by G.
Protein change: p.Pro405Ala; replaces proline 405 with alanine.
Molecular consequence: missense variant.
Genome position (GRCh38, 1-based): chr3:4,661,049, C>G. VCF-style: chr3-4661049-C-G. GRCh37 (hg19) VCF-style: chr3-4702733-C-G.
Other names: c.1213C>G, p.Pro405Ala (NM_001099952.4); c.1168C>G, p.Pro390Ala (NM_001168272.2, NM_002222.7); short protein forms P405A, P390A.
Identifiers: ClinVar variation 2791879 (VCV002791879.3), dbSNP rs1575966394, ClinGen allele CA351640313.